The following is an entry in ClinVar:

ClinVar aggregate classification (germline): Conflicting classifications of pathogenicity. Review status: criteria provided, conflicting classifications (1 of 4 stars). 2 submissions from 2 submitters: Uncertain significance (1); Likely benign (1). Last evaluated 2025-09-15.

Conditions:
Inborn genetic diseases. Identifiers: MedGen C0950123, MeSH D030342.

gnomAD v4.1: 17 of 1,613,920 alleles (0.0011%); highest among the groups gnomAD compares: East Asian, 0.013%; no homozygotes.

Submissions (2):

Labcorp Genetics (formerly Invitae), Labcorp
Classification: Uncertain significance. Last evaluated: 2025-09-15. Review status: criteria provided, single submitter. Criteria: Invitae Variant Classification Sherloc (09022015). Collection method: clinical testing. Allele origin: germline.
Comment: This sequence change replaces alanine, which is neutral and non-polar, with valine, which is neutral and non-polar, at codon 450 of the FOCAD protein (p.Ala450Val). This variant is present in population databases (rs537746068, gnomAD 0.02%). This variant has not been reported in the literature in individuals affected with FOCAD-related conditions. ClinVar contains an entry for this variant (Variation ID: 3516491). An algorithm developed to predict the effect of missense changes on protein structure and function outputs the following: PolyPhen-2: "Not Available". The valine amino acid residue is found in multiple mammalian species, which suggests that this missense change does not adversely affect protein function. In summary, the available evidence is currently insufficient to determine the role of this variant in disease. Therefore, it has been classified as a Variant of Uncertain Significance.

Ambry Genetics
Classification: Likely benign for Inborn genetic diseases. Last evaluated: 2024-08-26. Review status: criteria provided, single submitter. Criteria: Ambry Variant Classification Scheme 2023. Collection method: clinical testing. Allele origin: germline.

NM_001375567.1(FOCAD):c.1349C>T (p.Ala450Val)

Gene: FOCAD (focadhesin; plus strand). Cytogenetic location: 9p21.3.
Variant type: single nucleotide variant.
Coding change: c.1349C>T on transcript NM_001375567.1 (MANE Select); coding-DNA position 1349, C replaced by T.
Protein change: p.Ala450Val; replaces alanine 450 with valine.
Molecular consequence: missense variant.
Genome position (GRCh38, 1-based): chr9:20,789,502, C>T. VCF-style: chr9-20789502-C-T. GRCh37 (hg19) VCF-style: chr9-20789501-C-T.
Other names: c.1349C>T, p.Ala450Val (NM_001375568.1, NM_017794.5); c.1244C>T, p.Ala415Val (NM_001375570.1); short protein forms A450V, A415V.
Identifiers: ClinVar variation 3516491 (VCV003516491.2).